The following is an entry in ClinVar:

ClinVar aggregate classification (germline): Benign/Likely benign. Review status: criteria provided, multiple submitters, no conflicts (2 of 4 stars). 3 submissions from 3 submitters: Benign (1); Likely benign (2). Last evaluated 2025-09-04.

Conditions:
Renal cell carcinoma. Identifiers: Orphanet 217071, MedGen C0007134, MeSH D002292, MONDO:0005086, HP:0005584.
Hereditary cancer-predisposing syndrome. Also called: Neoplastic Syndromes, Hereditary; Tumor predisposition; Hereditary Cancer Syndrome; Hereditary neoplastic syndrome. Identifiers: Orphanet 140162, MedGen C0027672, MeSH D009386, MONDO:0015356.
Papillary renal cell carcinoma type 1 (RCCP1). Also called: Renal adenocarcinoma; Renal cell carcinoma 1; Renal cell carcinoma, somatic; RENAL CELL CARCINOMA, PAPILLARY, 1, SOMATIC. Identifiers: Orphanet 47044, MedGen C1336839, OMIM 605074, HP:0011797.

Submissions (3):

Labcorp Genetics (formerly Invitae), Labcorp
Classification: Likely benign for Renal cell carcinoma. Last evaluated: 2025-09-04. Review status: criteria provided, single submitter. Criteria: Invitae Variant Classification Sherloc (09022015). Collection method: clinical testing. Allele origin: germline.

Myriad Genetics, Inc.
Classification: Benign for Papillary renal cell carcinoma type 1. Last evaluated: 2024-11-05. Review status: criteria provided, single submitter. Criteria: Myriad Autosomal Dominant, Autosomal Recessive and X-Linked Classification Criteria (2023). Collection method: clinical testing. Allele origin: unknown.
Comment: This variant is considered benign. This variant is a silent/synonymous amino acid change and it is not expected to impact splicing.

Ambry Genetics
Classification: Likely benign for Hereditary cancer-predisposing syndrome. Last evaluated: 2020-11-21. Review status: criteria provided, single submitter. Criteria: Ambry Variant Classification Scheme 2023. Collection method: clinical testing. Allele origin: germline.

NM_000245.4(MET):c.43C>T (p.Leu15=)

Gene: MET (MET proto-oncogene, receptor tyrosine kinase; plus strand). Cytogenetic location: 7q31.2.
Variant type: single nucleotide variant.
Coding change: c.43C>T on transcript NM_000245.4 (MANE Select); coding-DNA position 43, C replaced by T.
Protein change: p.Leu15=; no amino-acid change (leucine 15 retained).
Molecular consequence: synonymous variant. On other transcripts: intron variant (1).
Genome position (GRCh38, 1-based): chr7:116,699,127, C>T. VCF-style: chr7-116699127-C-T. GRCh37 (hg19) VCF-style: chr7-116339181-C-T.
Other names: c.43C>T, p.Leu15= (NM_001127500.3, NM_001324401.3); c.-91+26550C>T (NM_001324402.2).
Identifiers: ClinVar variation 1634616 (VCV001634616.11), dbSNP rs2116578733, ClinGen allele CA457447889.